The following is an entry in ClinVar:

ClinVar aggregate classification (germline): Pathogenic (1 of 4 stars; one submission).

Conditions:
Duchenne muscular dystrophy (DMD). Also called: MUSCULAR DYSTROPHY, PSEUDOHYPERTROPHIC PROGRESSIVE, DUCHENNE TYPE; Duchenne Muscular Dystrophy (DMD). Identifiers: Orphanet 98896, MedGen C0013264, MONDO:0010679, OMIM 310200.

Submission:

Labcorp Genetics (formerly Invitae), Labcorp
Classification: Pathogenic for Duchenne muscular dystrophy. Last evaluated: 2023-08-07. Review status: criteria provided, single submitter. Criteria: Invitae Variant Classification Sherloc (09022015). Collection method: clinical testing. Allele origin: germline.
Comment: For these reasons, this variant has been classified as Pathogenic. This variant has not been reported in the literature in individuals affected with DMD-related conditions. This variant is not present in population databases (gnomAD no frequency). This sequence change creates a premature translational stop signal (p.Tyr301Serfs*17) in the DMD gene. It is expected to result in an absent or disrupted protein product. Loss-of-function variants in DMD are known to be pathogenic (PMID: 16770791, 25007885).

Literature cited by the submitters: PubMed 16770791; PubMed 25007885.

NM_004006.3(DMD):c.883_901dup (p.Tyr301fs)

Gene: DMD (dystrophin; minus strand). Cytogenetic location: Xp21.1.
Variant type: Duplication.
Coding change: c.883_901dup on transcript NM_004006.3 (MANE Select); coding-DNA positions 883 to 901, 19 bases duplicated (CGATTCAAGAGCTATGCCT).
Protein change: p.Tyr301fs; shifts the reading frame from tyrosine 301.
Molecular consequence: frameshift variant.
Genome position (GRCh38, 1-based): chrX:32,697,929-32,697,947, AGGCATAGCTCTTGAATCG duplicated on the plus strand (CGATTCAAGAGCTATGCCT on the coding strand, the reverse complement: DMD is on the minus strand); duplicating any 19 consecutive bases within chrX:32,697,929-32,697,951 gives the same sequence; the c. name uses the placement nearest the transcript's 3' end. VCF-style (leftmost placement, unchanged base first): chrX-32697928-T-TAGGCATAGCTCTTGAATCG. GRCh37 (hg19) VCF-style: chrX-32716045-T-TAGGCATAGCTCTTGAATCG.
Other names: c.859_877dup, p.Tyr293fs (NM_000109.4); c.871_889dup, p.Tyr297fs (NM_004009.3); c.514_532dup, p.Tyr178fs (NM_004010.3); short protein forms Y301fs, Y293fs, Y297fs, Y178fs.
Identifiers: ClinVar variation 2751051 (VCV002751051.3), dbSNP rs2521100430, ClinGen allele CA2697553003.